The following is an entry in ClinVar:

ClinVar aggregate classification (germline): Uncertain significance (1 of 4 stars; one submission).

Conditions:
Spastic paraplegia. Identifiers: MedGen C0037772, HP:0001258.

Allele frequency attached by ClinVar (database versions not stated): gnomAD exomes 0.00001; TOPMed 0.00001.
gnomAD v4.1: 19 of 1,605,732 alleles (0.0012%); highest among the groups gnomAD compares: Non-Finnish European, 0.0016%; no homozygotes.

Submission:

Labcorp Genetics (formerly Invitae), Labcorp
Classification: Uncertain significance for Spastic paraplegia. Last evaluated: 2024-01-04. Review status: criteria provided, single submitter. Criteria: Invitae Variant Classification Sherloc (09022015). Collection method: clinical testing. Allele origin: germline.
Comment: This sequence change replaces alanine, which is neutral and non-polar, with valine, which is neutral and non-polar, at codon 215 of the GJC2 protein (p.Ala215Val). This variant is present in population databases (no rsID available, gnomAD 0.002%). This variant has not been reported in the literature in individuals affected with GJC2-related conditions. Algorithms developed to predict the effect of missense changes on protein structure and function output the following: SIFT: "Not Available"; PolyPhen-2: "Probably Damaging"; Align-GVGD: "Not Available". The valine amino acid residue is found in multiple mammalian species, which suggests that this missense change does not adversely affect protein function. In summary, the available evidence is currently insufficient to determine the role of this variant in disease. Therefore, it has been classified as a Variant of Uncertain Significance.

NM_020435.4(GJC2):c.644C>T (p.Ala215Val)

Gene: GJC2 (gap junction protein gamma 2; plus strand). Cytogenetic location: 1q42.13.
Variant type: single nucleotide variant.
Coding change: c.644C>T on transcript NM_020435.4 (MANE Select); coding-DNA position 644, C replaced by T.
Protein change: p.Ala215Val; replaces alanine 215 with valine.
Molecular consequence: missense variant.
Genome position (GRCh38, 1-based): chr1:228,158,402, C>T. VCF-style: chr1-228158402-C-T. GRCh37 (hg19) VCF-style: chr1-228346103-C-T.
Other names: short protein forms A215V.
Identifiers: ClinVar variation 3015971 (VCV003015971.3), dbSNP rs1461589558, ClinGen allele CA345098873.